The following is an entry in ClinVar:

ClinVar aggregate classification (germline): Uncertain significance (1 of 4 stars; one submission).

Conditions:
Autosomal recessive distal spinal muscular atrophy 1. Also called: SEVERE INFANTILE AXONAL NEUROPATHY WITH RESPIRATORY FAILURE; SPINAL MUSCULAR ATROPHY, DIAPHRAGMATIC; HMN VI; NEURONOPATHY, SEVERE INFANTILE AXONAL, WITH RESPIRATORY FAILURE; NEURONOPATHY, DISTAL HEREDITARY MOTOR, HARDING TYPE VI; NEUROPATHY, DISTAL HEREDITARY MOTOR, AUTOSOMAL RECESSIVE 1. Identifiers: Orphanet 98920, MedGen C1858517, MONDO:0011436, OMIM 604320.
Charcot-Marie-Tooth disease axonal type 2S. Also called: CHARCOT-MARIE-TOOTH DISEASE, AXONAL, AUTOSOMAL RECESSIVE, TYPE 2S; CHARCOT-MARIE-TOOTH NEUROPATHY, TYPE 2S. Identifiers: Orphanet 443073, MedGen C4015349, MONDO:0014511, OMIM 616155.

Allele frequency attached by ClinVar (database versions not stated): gnomAD exomes below 0.00001; TOPMed below 0.00001; gnomAD 0.00001.
gnomAD v4.1: 5 of 1,613,738 alleles (0.00031%); highest among the groups gnomAD compares: Admixed American, 0.0017%; no homozygotes.

Submission:

Labcorp Genetics (formerly Invitae), Labcorp
Classification: Uncertain significance for Autosomal recessive distal spinal muscular atrophy 1; Charcot-Marie-Tooth disease axonal type 2S. Last evaluated: 2021-08-28. Review status: criteria provided, single submitter. Criteria: Invitae Variant Classification Sherloc (09022015). Collection method: clinical testing. Allele origin: germline.
Comment: This sequence change replaces glycine with arginine at codon 668 of the IGHMBP2 protein (p.Gly668Arg). The glycine residue is weakly conserved and there is a moderate physicochemical difference between glycine and arginine. This variant is not present in population databases (ExAC no frequency). This variant has not been reported in the literature in individuals affected with IGHMBP2-related conditions. Algorithms developed to predict the effect of missense changes on protein structure and function (SIFT, PolyPhen-2, Align-GVGD) all suggest that this variant is likely to be tolerated. In summary, the available evidence is currently insufficient to determine the role of this variant in disease. Therefore, it has been classified as a Variant of Uncertain Significance.

NM_002180.3(IGHMBP2):c.2002G>A (p.Gly668Arg)

Gene: IGHMBP2 (immunoglobulin mu DNA binding protein 2; plus strand). Cytogenetic location: 11q13.3.
Variant type: single nucleotide variant.
Coding change: c.2002G>A on transcript NM_002180.3 (MANE Select); coding-DNA position 2002, G replaced by A.
Protein change: p.Gly668Arg; replaces glycine 668 with arginine.
Molecular consequence: missense variant.
Genome position (GRCh38, 1-based): chr11:68,936,482, G>A. VCF-style: chr11-68936482-G-A. GRCh37 (hg19) VCF-style: chr11-68703950-G-A.
Other names: short protein forms G668R.
Identifiers: ClinVar variation 1024243 (VCV001024243.6), dbSNP rs1566446312, ClinGen allele CA381652607.